The following is an entry in ClinVar:

ClinVar aggregate classification (germline): Uncertain significance (1 of 4 stars; one submission).

Conditions:
Primary open angle glaucoma (POAG). Also called: OPTN-related open angle glaucoma. Identifiers: MedGen C0339573, MONDO:0100553, OMIM 137760.
Glaucoma 1, open angle, E. Identifiers: MedGen C1842026, MONDO:0007665.
Amyotrophic lateral sclerosis type 12 (ALS12). Also called: AMYOTROPHIC LATERAL SCLEROSIS 12 WITH OR WITHOUT FRONTOTEMPORAL DEMENTIA. Identifiers: Orphanet 803, MedGen C3150692, MONDO:0013264, OMIM 613435.

Submission:

Labcorp Genetics (formerly Invitae), Labcorp
Classification: Uncertain significance for Primary open angle glaucoma; Glaucoma 1, open angle, E; Amyotrophic lateral sclerosis type 12. Last evaluated: 2024-06-20. Review status: criteria provided, single submitter. Criteria: Invitae Variant Classification Sherloc (09022015). Collection method: clinical testing. Allele origin: germline.
Comment: This sequence change replaces methionine, which is neutral and non-polar, with valine, which is neutral and non-polar, at codon 447 of the OPTN protein (p.Met447Val). This variant is not present in population databases (gnomAD no frequency). This variant has not been reported in the literature in individuals affected with OPTN-related conditions. Advanced modeling of protein sequence and biophysical properties (such as structural, functional, and spatial information, amino acid conservation, physicochemical variation, residue mobility, and thermodynamic stability) performed at Invitae indicates that this missense variant is not expected to disrupt OPTN protein function with a negative predictive value of 80%. In summary, the available evidence is currently insufficient to determine the role of this variant in disease. Therefore, it has been classified as a Variant of Uncertain Significance.

NM_001008212.2(OPTN):c.1339A>G (p.Met447Val)

Gene: OPTN (optineurin; plus strand). Cytogenetic location: 10p13.
Variant type: single nucleotide variant.
Coding change: c.1339A>G on transcript NM_001008212.2 (MANE Select); coding-DNA position 1339, A replaced by G.
Protein change: p.Met447Val; replaces methionine 447 with valine.
Molecular consequence: missense variant.
Genome position (GRCh38, 1-based): chr10:13,127,841, A>G. VCF-style: chr10-13127841-A-G. GRCh37 (hg19) VCF-style: chr10-13169841-A-G.
Other names: c.1339A>G, p.Met447Val (NM_001008211.1, NM_001008213.1, NM_021980.4); short protein forms M447V.
Identifiers: ClinVar variation 3761957 (VCV003761957.2).